The following is an entry in ClinVar:

NM_170707.4(LMNA):c.571del (p.Val191fs)

Gene: LMNA (lamin A/C; plus strand). Cytogenetic location: 1q22.
Variant type: Deletion.
Coding change: c.571del on transcript NM_170707.4 (MANE Select); coding-DNA position 571, one base deleted (G; older notation c.571delG).
Protein change: p.Val191fs; shifts the reading frame from valine 191.
Molecular consequence: frameshift variant. On other transcripts: 5 prime UTR variant (4).
Genome position (GRCh38, 1-based): chr1:156,134,460, G deleted; the last of 3 consecutive G bases (chr1:156,134,458-156,134,460); deleting any one gives the same sequence. VCF-style (leftmost placement, unchanged base first): chr1-156134457-CG-C. GRCh37 (hg19) VCF-style: chr1-156104248-CG-C.
Other names: c.235del, p.Val79fs (NM_001257374.3, NM_001406989.1, NM_001406998.1); c.328del, p.Val110fs (NM_001282624.2, NM_001406986.1, NM_001406987.1); c.571del, p.Val191fs (NM_001282625.2, NM_001282626.2, NM_001406983.1 and 6 more transcripts); c.274del, p.Val92fs (NM_001406988.1); c.13del, p.Val5fs (NM_001406990.1, NM_001406993.1, NM_001406995.1 and 4 more transcripts); c.-94del (NM_001406994.1, NM_001406999.1, NM_001407000.1 and 1 more transcripts); short protein forms V5fs, V79fs, V92fs, V191fs, V110fs.
Identifiers: ClinVar variation 4750107 (VCV004750107.1).

ClinVar aggregate classification (germline): Pathogenic (1 of 4 stars; one submission).

Conditions:
Charcot-Marie-Tooth disease type 2. Also called: Charcot-Marie-Tooth type 2. Identifiers: Orphanet 64746, MedGen C0270914, MONDO:0018993.

Submission:

Labcorp Genetics (formerly Invitae), Labcorp
Classification: Pathogenic for Charcot-Marie-Tooth disease type 2. Last evaluated: 2025-10-23. Review status: criteria provided, single submitter. Criteria: Invitae Variant Classification Sherloc (09022015). Collection method: clinical testing. Allele origin: germline.
Comment: This sequence change creates a premature translational stop signal (p.Val191Trpfs*10) in the LMNA gene. It is expected to result in an absent or disrupted protein product. Loss-of-function variants in LMNA are known to be pathogenic (PMID: 18585512, 18926329). This variant is not present in population databases (gnomAD no frequency). This premature translational stop signal has been observed in individual(s) with LMNA-related conditions (PMID: 31317183). For these reasons, this variant has been classified as Pathogenic.

Literature cited by the submitters: PubMed 18585512; PubMed 18926329; PubMed 31317183.